The following is an entry in ClinVar:

ClinVar aggregate classification (germline): Uncertain significance. Review status: criteria provided, multiple submitters, no conflicts (2 of 4 stars). 2 submissions from 2 submitters: Uncertain significance (2). Last evaluated 2025-11-28.

Allele frequency attached by ClinVar (database versions not stated): gnomAD exomes 0.00001 and 0.00002; ExAC 0.00004; gnomAD 0.00011; TOPMed 0.00013.
gnomAD v4.1: 43 of 1,614,062 alleles (0.0027%); highest among the groups gnomAD compares: African/African-American, 0.041%; no homozygotes.

Submissions (2):

Labcorp Genetics (formerly Invitae), Labcorp
Classification: Uncertain significance. Last evaluated: 2025-11-28. Review status: criteria provided, single submitter. Criteria: Invitae Variant Classification Sherloc (09022015). Collection method: clinical testing. Allele origin: germline.
Comment: This sequence change replaces glutamic acid, which is acidic and polar, with glutamine, which is neutral and polar, at codon 1218 of the DISP1 protein (p.Glu1218Gln). This variant is present in population databases (rs750944404, gnomAD 0.03%). This variant has not been reported in the literature in individuals affected with DISP1-related conditions. ClinVar contains an entry for this variant (Variation ID: 1307579). An algorithm developed to predict the effect of missense changes on protein structure and function (PolyPhen-2) suggests that this variant is likely to be tolerated. In summary, the available evidence is currently insufficient to determine the role of this variant in disease. Therefore, it has been classified as a Variant of Uncertain Significance.

GeneDx
Classification: Uncertain significance. Last evaluated: 2019-08-05. Review status: criteria provided, single submitter. Criteria: GeneDx Variant Classification Process June 2021. Collection method: clinical testing. Allele origin: germline. Affected: yes.
Comment: In silico analysis, which includes protein predictors and evolutionary conservation, supports that this variant does not alter protein structure/function; Has not been previously published as pathogenic or benign to our knowledge

NM_001377229.1(DISP1):c.3652G>C (p.Glu1218Gln)

Gene: DISP1 (dispatched RND transporter family member 1; plus strand). Cytogenetic location: 1q41.
Variant type: single nucleotide variant.
Coding change: c.3652G>C on transcript NM_001377229.1 (MANE Select); coding-DNA position 3652, G replaced by C.
Protein change: p.Glu1218Gln; replaces glutamic acid 1218 with glutamine.
Molecular consequence: missense variant.
Genome position (GRCh38, 1-based): chr1:223,005,049, G>C. VCF-style: chr1-223005049-G-C. GRCh37 (hg19) VCF-style: chr1-223178391-G-C.
Other names: c.2923G>C, p.Glu975Gln (NM_001350630.2); c.3652G>C, p.Glu1218Gln (NM_001369594.1, NM_001377228.1, NM_032890.5); short protein forms E1218Q, E975Q.
Identifiers: ClinVar variation 1307579 (VCV001307579.8), dbSNP rs750944404, ClinGen allele CA1409447.